The following is an entry in ClinVar:

ClinVar aggregate classification (germline): Uncertain significance (1 of 4 stars; one submission).

Submission:

Women's Health and Genetics/Laboratory Corporation of America, LabCorp
Classification: Uncertain significance. Last evaluated: 2024-08-13. Review status: criteria provided, single submitter. Criteria: LabCorp Variant Classification Summary - May 2015. Collection method: clinical testing. Allele origin: germline.
Comment: Variant summary: PAH c.126A>C (p.Lys42Asn) results in a non-conservative amino acid change located in the ACT domain (IPR002912) of the encoded protein sequence. Three of five in-silico tools predict a damaging effect of the variant on protein function. The variant was absent in 251412 control chromosomes. The available data on variant occurrences in the general population are insufficient to allow any conclusion about variant significance. To our knowledge, no occurrence of c.126A>C in individuals affected with Phenylalanine Hydroxylase Deficiency (Phenylketonuria) and no experimental evidence demonstrating its impact on protein function have been reported. No submitters have cited clinical-significance assessments for this variant to ClinVar. Based on the evidence outlined above, the variant was classified as uncertain significance.

NM_000277.3(PAH):c.126A>C (p.Lys42Asn)

Gene: PAH (phenylalanine hydroxylase; minus strand). Cytogenetic location: 12q23.2.
Variant type: single nucleotide variant.
Coding change: c.126A>C on transcript NM_000277.3 (MANE Select); coding-DNA position 126, A replaced by C.
Protein change: p.Lys42Asn; replaces lysine 42 with asparagine.
Molecular consequence: missense variant.
Genome position (GRCh38, 1-based): chr12:102,912,833, T>G on the plus strand (A>C on the coding strand, the complement: PAH is on the minus strand). VCF-style: chr12-102912833-T-G. GRCh37 (hg19) VCF-style: chr12-103306611-T-G.
Other names: c.126A>C, p.Lys42Asn (NM_001354304.2); short protein forms K42N.
Identifiers: ClinVar variation 3366818 (VCV003366818.1).
Genomic context (GRCh38, chr12:102,912,833, plus strand): 5'-CATGATTGTAGCACTGACCTCAAATAAGCGCAATACTTTGGCCAATGCACCAACTTCTTC[T>G]TTGAGTGAGAAGATCAGTGATATGGCACCATTTTGATTGCAGTTGTCTTCAATATAGCTT-3'
Protein context (NP_000268.1, residues 32-52): NGAISLIFSL[Lys42Asn]EEVGALAKVL